The following is an entry in ClinVar:

ClinVar aggregate classification (germline): Uncertain significance (1 of 4 stars; one submission).

Conditions:
PCNT-related disorder. Also called: PCNT-related condition.

gnomAD v4.1: 3 of 1,613,800 alleles (0.00019%); highest among the groups gnomAD compares: Non-Finnish European, 0.00025%; no homozygotes.

Submission:

PreventionGenetics, part of Exact Sciences
Classification: Uncertain significance for PCNT-related condition. Last evaluated: 2026-08-25. Review status: criteria provided, single submitter. Criteria: ACMG Guidelines, 2015. Collection method: clinical testing. Allele origin: germline.
Comment: The PCNT c.7237C>G variant is predicted to result in the amino acid substitution p.Leu2413Val. To our knowledge, this variant has not been reported in the literature or in a large population database (gnomAD), indicating this variant is rare. At this time, the clinical significance of this variant is uncertain due to the absence of conclusive functional and genetic evidence.

NM_006031.6(PCNT):c.7237C>G (p.Leu2413Val)

Gene: PCNT (pericentrin; plus strand). Cytogenetic location: 21q22.3.
Variant type: single nucleotide variant.
Coding change: c.7237C>G on transcript NM_006031.6 (MANE Select); coding-DNA position 7237, C replaced by G.
Protein change: p.Leu2413Val; replaces leucine 2413 with valine.
Molecular consequence: missense variant.
Genome position (GRCh38, 1-based): chr21:46,425,888, C>G. VCF-style: chr21-46425888-C-G. GRCh37 (hg19) VCF-style: chr21-47845802-C-G.
Other names: c.6883C>G, p.Leu2295Val (NM_001315529.2); short protein forms L2295V, L2413V.
Identifiers: ClinVar variation 4984861 (VCV004984861.1).